The following is an entry in ClinVar:

NM_015338.6(ASXL1):c.1436C>A (p.Pro479His)

Gene: ASXL1 (ASXL transcriptional regulator 1; plus strand). Cytogenetic location: 20q11.21.
Variant type: single nucleotide variant.
Coding change: c.1436C>A on transcript NM_015338.6 (MANE Select); coding-DNA position 1436, C replaced by A.
Protein change: p.Pro479His; replaces proline 479 with histidine.
Molecular consequence: missense variant.
Genome position (GRCh38, 1-based): chr20:32,433,634, C>A. VCF-style: chr20-32433634-C-A. GRCh37 (hg19) VCF-style: chr20-31021437-C-A.
Other names: c.1253C>A, p.Pro418His (NM_001363734.1); short protein forms P418H, P479H.
Identifiers: ClinVar variation 3791946 (VCV003791946.1).

ClinVar aggregate classification (germline): Uncertain significance (1 of 4 stars; one submission).

Conditions:
Inborn genetic diseases. Identifiers: MedGen C0950123, MeSH D030342.

Submission:

Ambry Genetics
Classification: Uncertain significance for Inborn genetic diseases. Last evaluated: 2025-01-05. Review status: criteria provided, single submitter. Criteria: Ambry Variant Classification Scheme 2023. Collection method: clinical testing. Allele origin: germline.
Comment: The p.P479H variant (also known as c.1436C>A), located in coding exon 12 of the ASXL1 gene, results from a C to A substitution at nucleotide position 1436. The proline at codon 479 is replaced by histidine, an amino acid with similar properties. This amino acid position is conserved. In addition, this alteration is predicted to be tolerated by in silico analysis. Based on the available evidence, the clinical significance of this variant remains unclear.